The following is an entry in ClinVar:

NM_006269.2(RP1):c.3449C>G (p.Ala1150Gly)

Gene: RP1 (RP1 axonemal microtubule associated; plus strand). Cytogenetic location: 8q12.1.
Variant type: single nucleotide variant.
Coding change: c.3449C>G on transcript NM_006269.2 (MANE Select); coding-DNA position 3449, C replaced by G.
Protein change: p.Ala1150Gly; replaces alanine 1150 with glycine.
Molecular consequence: missense variant. On other transcripts: intron variant (1).
Genome position (GRCh38, 1-based): chr8:54,627,331, C>G. VCF-style: chr8-54627331-C-G. GRCh37 (hg19) VCF-style: chr8-55539891-C-G.
Other names: c.787+5043C>G (NM_001375654.1); short protein forms A1150G.
Identifiers: ClinVar variation 938963 (VCV000938963.10), dbSNP rs1007629051, ClinGen allele CA370996385.

ClinVar aggregate classification (germline): Uncertain significance. Review status: criteria provided, multiple submitters, no conflicts (2 of 4 stars). 2 submissions from 2 submitters: Uncertain significance (2). Last evaluated 2026-07-23.

Conditions:
Inborn genetic diseases. Identifiers: MedGen C0950123, MeSH D030342.

gnomAD v4.1: 5 of 1,614,136 alleles (0.00031%); highest among the groups gnomAD compares: Non-Finnish European, 0.00042%; no homozygotes.

Submissions (2):

Ambry Genetics
Classification: Uncertain significance for Inborn genetic diseases. Last evaluated: 2026-07-23. Review status: criteria provided, single submitter. Criteria: Ambry Variant Classification Scheme 2023. Collection method: clinical testing. Allele origin: germline.

Labcorp Genetics (formerly Invitae), Labcorp
Classification: Uncertain significance. Last evaluated: 2020-11-16. Review status: criteria provided, single submitter. Criteria: Invitae Variant Classification Sherloc (09022015). Collection method: clinical testing. Allele origin: germline.
Comment: This sequence change replaces alanine with glycine at codon 1150 of the RP1 protein (p.Ala1150Gly). The alanine residue is moderately conserved and there is a small physicochemical difference between alanine and glycine. This variant is not present in population databases (ExAC no frequency). This variant has not been reported in the literature in individuals with RP1-related conditions. Algorithms developed to predict the effect of missense changes on protein structure and function (SIFT, PolyPhen-2, Align-GVGD) all suggest that this variant is likely to be tolerated, but these predictions have not been confirmed by published functional studies and their clinical significance is uncertain. In summary, the available evidence is currently insufficient to determine the role of this variant in disease. Therefore, it has been classified as a Variant of Uncertain Significance.